The following is an entry in ClinVar:

NM_000384.3(APOB):c.7726C>G (p.Arg2576Gly)

Gene: APOB (apolipoprotein B; minus strand). Cytogenetic location: 2p24.1.
Variant type: single nucleotide variant.
Coding change: c.7726C>G on transcript NM_000384.3 (MANE Select); coding-DNA position 7726, C replaced by G.
Protein change: p.Arg2576Gly; replaces arginine 2576 with glycine.
Molecular consequence: missense variant.
Genome position (GRCh38, 1-based): chr2:21,009,142, G>C on the plus strand (C>G on the coding strand, the complement: APOB is on the minus strand). VCF-style: chr2-21009142-G-C. GRCh37 (hg19) VCF-style: chr2-21232014-G-C.
Other names: short protein forms R2576G.
Identifiers: ClinVar variation 928148 (VCV000928148.9), dbSNP rs767146440, ClinGen allele CA43502084.

ClinVar aggregate classification (germline): Conflicting classifications of pathogenicity. Review status: criteria provided, conflicting classifications (1 of 4 stars). 2 submissions from 2 submitters: Uncertain significance (1); Likely benign (1). Last evaluated 2026-09-11.

Conditions:
Hypercholesterolemia, autosomal dominant, type B (FHCL2). Also called: HYPERCHOLESTEROLEMIA, FAMILIAL, DUE TO LIGAND-DEFECTIVE APOLIPOPROTEIN B; Hyperlipoproteinemia Type IIb; Familial Hypercholesterolemia Type B; Familial hypercholesterolemia 2; APOLIPOPROTEIN B-100, FAMILIAL DEFECTIVE; APOLIPOPROTEIN B-100, FAMILIAL LIGAND-DEFECTIVE. Identifiers: MedGen C1704417, MONDO:0007751, OMIM 144010.
Familial hypobetalipoproteinemia 1. Also called: Hypobetalipoproteinemia, normotriglyceridemic; Acanthocytosis with hypobetalipoproteinemia; APOB-Related Familial Hypobetalipoproteinemia. Identifiers: MedGen C4551990, MONDO:0014252, OMIM 615558.
Cardiovascular phenotype. Identifiers: MedGen CN230736.

Allele frequency attached by ClinVar (database versions not stated): TOPMed 0.00002.
gnomAD v4.1: 3 of 1,613,878 alleles (0.00019%); highest among the groups gnomAD compares: African/African-American, 0.0027%; no homozygotes.

Submissions (2):

Ambry Genetics
Classification: Uncertain significance for Cardiovascular phenotype. Last evaluated: 2026-09-11. Review status: criteria provided, single submitter. Criteria: Ambry Variant Classification Scheme 2023. Collection method: clinical testing. Allele origin: germline.
Comment: The p.R2576G variant (also known as c.7726C>G), located in coding exon 26 of the APOB gene, results from a C to G substitution at nucleotide position 7726. The arginine at codon 2576 is replaced by glycine, an amino acid with dissimilar properties. This amino acid position is conserved. In addition, this alteration is predicted to be tolerated by in silico analysis. Based on the available evidence, the clinical significance of this variant remains unclear.

Labcorp Genetics (formerly Invitae), Labcorp
Classification: Likely benign for Familial hypobetalipoproteinemia 1; Hypercholesterolemia, autosomal dominant, type B. Last evaluated: 2023-01-08. Review status: criteria provided, single submitter. Criteria: Invitae Variant Classification Sherloc (09022015). Collection method: clinical testing. Allele origin: germline.